The following is an entry in ClinVar:

NM_002427.4(MMP13):c.580A>G (p.Asn194Asp)

Gene: MMP13 (matrix metallopeptidase 13; minus strand). Cytogenetic location: 11q22.2.
Variant type: single nucleotide variant.
Coding change: c.580A>G on transcript NM_002427.4 (MANE Select); coding-DNA position 580, A replaced by G.
Protein change: p.Asn194Asp; replaces asparagine 194 with aspartic acid.
Molecular consequence: missense variant.
Genome position (GRCh38, 1-based): chr11:102,954,213, T>C on the plus strand (A>G on the coding strand, the complement: MMP13 is on the minus strand). VCF-style: chr11-102954213-T-C. GRCh37 (hg19) VCF-style: chr11-102824942-T-C.
Other names: short protein forms N194D.
Identifiers: ClinVar variation 4807918 (VCV004807918.1).

ClinVar aggregate classification (germline): Uncertain significance (1 of 4 stars; one submission).

Submission:

Labcorp Genetics (formerly Invitae), Labcorp
Classification: Uncertain significance. Last evaluated: 2025-04-02. Review status: criteria provided, single submitter. Criteria: Invitae Variant Classification Sherloc (09022015). Collection method: clinical testing. Allele origin: germline.
Comment: This sequence change replaces asparagine, which is neutral and polar, with aspartic acid, which is acidic and polar, at codon 194 of the MMP13 protein (p.Asn194Asp). This variant is not present in population databases (gnomAD no frequency). This variant has not been reported in the literature in individuals affected with MMP13-related conditions. Invitae Evidence Modeling of protein sequence and biophysical properties (such as structural, functional, and spatial information, amino acid conservation, physicochemical variation, residue mobility, and thermodynamic stability) indicates that this missense variant is not expected to disrupt MMP13 protein function with a negative predictive value of 80%. In summary, the available evidence is currently insufficient to determine the role of this variant in disease. Therefore, it has been classified as a Variant of Uncertain Significance.